The following is an entry in ClinVar:

ClinVar aggregate classification (germline): Uncertain significance (1 of 4 stars; one submission).

Conditions:
Cardiovascular phenotype. Identifiers: MedGen CN230736.

Submission:

Ambry Genetics
Classification: Uncertain significance for Cardiovascular phenotype. Last evaluated: 2026-08-08. Review status: criteria provided, single submitter. Criteria: Ambry Variant Classification Scheme 2023. Collection method: clinical testing. Allele origin: germline.
Comment: The p.G2689A variant (also known as c.8066G>C), located in coding exon 2 of the ZNF469 gene, results from a G to C substitution at nucleotide position 8066. The glycine at codon 2689 is replaced by alanine, an amino acid with similar properties. This amino acid position is conserved. In addition, this alteration is predicted to be tolerated by in silico analysis. Based on the available evidence, the clinical significance of this variant remains unclear.

NM_001367624.2(ZNF469):c.8150G>C (p.Gly2717Ala)

Gene: ZNF469 (zinc finger protein 469; plus strand). Cytogenetic location: 16q24.2.
Variant type: single nucleotide variant.
Coding change: c.8150G>C on transcript NM_001367624.2 (MANE Select); coding-DNA position 8150, G replaced by C.
Protein change: p.Gly2717Ala; replaces glycine 2717 with alanine.
Molecular consequence: missense variant.
Genome position (GRCh38, 1-based): chr16:88,435,620, G>C. VCF-style: chr16-88435620-G-C. GRCh37 (hg19) VCF-style: chr16-88502028-G-C.
Other names: NM_001127464.1:c.8066G>C; short protein forms G2717A.
Identifiers: ClinVar variation 5032247 (VCV005032247.1).